The following is an entry in ClinVar:

NM_005677.4(COLQ):c.636+5_636+8del

Gene: COLQ (collagen like tail subunit of asymmetric acetylcholinesterase; minus strand). Cytogenetic location: 3p25.1.
Variant type: Microsatellite.
Coding change: c.636+5_636+8del on transcript NM_005677.4 (MANE Select); bases 5 to 8 of the intron after coding-DNA position 636, 4 bases deleted (GTAA; older notation c.636+5_636+8delGTAA).
Molecular consequence: splice donor variant.
Genome position (GRCh38, 1-based): chr3:15,473,992-15,473,995, TTAC deleted on the plus strand (GTAA on the coding strand, the reverse complement: COLQ is on the minus strand); deleting any 4 consecutive bases within chr3:15,473,992-15,474,001 gives the same sequence; the c. name uses the placement nearest the transcript's 3' end. VCF-style (leftmost placement, unchanged base first): chr3-15473991-GTTAC-G. GRCh37 (hg19) VCF-style: chr3-15515498-GTTAC-G.
Other names: c.534+5_534+8del (NM_080539.4); c.606+5_606+8del (NM_080538.2).
Identifiers: ClinVar variation 1479473 (VCV001479473.6), dbSNP rs1471567316, ClinGen allele CA541361501.
Genomic context (GRCh38, chr3:15,473,991, plus strand): 5'-CTTTTTGTTGTGCTTGGAGGACCTGATATTTTTATTGAGGCCTATTTTCACTACCTCAAG[GTTAC>G]TTACTTTCTGCCCCAACATTCCAGGAAATCCTGGGAAACCCTGTGAAAAGAGCAACAAAT-3'

ClinVar aggregate classification (germline): Uncertain significance (1 of 4 stars; one submission).

Conditions:
Congenital myasthenic syndrome 5. Identifiers: Orphanet 590, MedGen C1864233, MONDO:0011281, OMIM 603034.

Submission:

Labcorp Genetics (formerly Invitae), Labcorp
Classification: Uncertain significance for Congenital myasthenic syndrome 5. Last evaluated: 2020-12-09. Review status: criteria provided, single submitter. Criteria: Invitae Variant Classification Sherloc (09022015). Collection method: clinical testing. Allele origin: germline.
Comment: In summary, the available evidence is currently insufficient to determine the role of this variant in disease. Therefore, it has been classified as a Variant of Uncertain Significance. Nucleotide substitutions within the consensus splice site are a relatively common cause of aberrant splicing (PMID: 17576681, 9536098). Algorithms developed to predict the effect of sequence changes on RNA splicing suggest that this variant may disrupt the consensus splice site, but this prediction has not been confirmed by published transcriptional studies. This variant has not been reported in the literature in individuals with COLQ-related conditions. This variant is not present in population databases (ExAC no frequency). This sequence change falls in intron 10 of the COLQ gene. It does not directly change the encoded amino acid sequence of the COLQ protein. It affects a nucleotide within the consensus splice site of the intron.

Literature cited by the submitters: PubMed 17576681; PubMed 9536098.